The following is an entry in ClinVar:

NM_024570.4(RNASEH2B):c.575C>T (p.Thr192Ile)

Gene: RNASEH2B (ribonuclease H2 subunit B; plus strand). Cytogenetic location: 13q14.3.
Variant type: single nucleotide variant.
Coding change: c.575C>T on transcript NM_024570.4 (MANE Select); coding-DNA position 575, C replaced by T.
Protein change: p.Thr192Ile; replaces threonine 192 with isoleucine.
Molecular consequence: missense variant.
Genome position (GRCh38, 1-based): chr13:50,945,491, C>T. VCF-style: chr13-50945491-C-T. GRCh37 (hg19) VCF-style: chr13-51519627-C-T.
Other names: c.575C>T, p.Thr192Ile (NM_001142279.2, NM_001411023.1); short protein forms T192I.
Identifiers: ClinVar variation 1938855 (VCV001938855.3), dbSNP rs952690776, ClinGen allele CA249998222.
Genomic context (GRCh38, chr13:50,945,491, plus strand): 5'-ATCAAACTGTGGCAGCATTAAAAACCAATAATGTGAATGTCAGTTCCCGGGTACAGTCAA[C>T]TGCATTTTTCTCTGGTGACCAAGCTTCCACTGACAAGGAAGGTAAGTAAAGCATTTTATC-3'
Protein context (NP_078846.2, residues 182-202): NVNVSSRVQS[Thr192Ile]AFFSGDQAST

ClinVar aggregate classification (germline): Uncertain significance (1 of 4 stars; one submission).

Conditions:
Aicardi-Goutieres syndrome 2. Identifiers: Orphanet 51, MedGen C3489724, MONDO:0012429, OMIM 610181.

Submission:

Labcorp Genetics (formerly Invitae), Labcorp
Classification: Uncertain significance for Aicardi-Goutieres syndrome 2. Last evaluated: 2025-10-22. Review status: criteria provided, single submitter. Criteria: Invitae Variant Classification Sherloc (09022015). Collection method: clinical testing. Allele origin: germline.
Comment: This sequence change replaces threonine, which is neutral and polar, with isoleucine, which is neutral and non-polar, at codon 192 of the RNASEH2B protein (p.Thr192Ile). This variant is not present in population databases (gnomAD no frequency). This variant has not been reported in the literature in individuals affected with RNASEH2B-related conditions. ClinVar contains an entry for this variant (Variation ID: 1938855). Invitae Evidence Modeling of protein sequence and biophysical properties (such as structural, functional, and spatial information, amino acid conservation, physicochemical variation, residue mobility, and thermodynamic stability) has been performed for this missense variant. However, the output from this modeling did not meet the statistical confidence thresholds required to predict the impact of this variant on RNASEH2B protein function. In summary, the available evidence is currently insufficient to determine the role of this variant in disease. Therefore, it has been classified as a Variant of Uncertain Significance.